The following is an entry in ClinVar:

ClinVar aggregate classification (germline): Pathogenic. Review status: reviewed by expert panel (3 of 4 stars). 2 submissions from 2 submitters: Pathogenic (1). 1 of the submissions does not count toward it. Last evaluated 2016-10-18.

Conditions:
Breast-ovarian cancer, familial, susceptibility to, 1 (BROVCA1). Also called: BRCA1 Hereditary Breast and Ovarian Cancer; OVARIAN CANCER, SUSCEPTIBILITY TO. Identifiers: Orphanet 145, MedGen C2676676, MONDO:0011450, OMIM 604370. Disease mechanism: loss of function.

Submissions (2):

Evidence-based Network for the Interpretation of Germline Mutant Alleles (ENIGMA)
Classification: Pathogenic for Breast-ovarian cancer, familial, susceptibility to, 1. Last evaluated: 2016-10-18. Review status: reviewed by expert panel. Criteria: ENIGMA BRCA1/2 Classification Criteria (2015). Collection method: curation. Allele origin: germline.
Comment: Variant allele predicted to encode a truncated non-functional protein.

Consortium of Investigators of Modifiers of BRCA1/2 (CIMBA), c/o University of Cambridge
Classification: Pathogenic for Breast-ovarian cancer, familial, susceptibility to, 1. Last evaluated: 2015-10-02. Review status: criteria provided, single submitter. Criteria: CIMBA Mutation Classification guidelines May 2016. Collection method: clinical testing. Allele origin: germline. Not counted in ClinVar's aggregate classification.

NM_007294.4(BRCA1):c.2202dup (p.Leu735fs)

Gene: BRCA1 (BRCA1 DNA repair associated; minus strand). Cytogenetic location: 17q21.31.
Variant type: Duplication.
Coding change: c.2202dup on transcript NM_007294.4 (MANE Select); coding-DNA position 2202, one base duplicated (A; older notation c.2202dupA).
Protein change: p.Leu735fs; shifts the reading frame from leucine 735.
Molecular consequence: frameshift variant. On other transcripts: intron variant (137).
Genome position (GRCh38, 1-based): chr17:43,093,329, T duplicated on the plus strand (A on the coding strand, the reverse complement: BRCA1 is on the minus strand); the first of 3 consecutive T bases (chr17:43,093,329-43,093,331); duplicating any one gives the same sequence. VCF-style (leftmost placement, unchanged base first): chr17-43093328-G-GT. GRCh37 (hg19) VCF-style: chr17-41245345-G-GT.
Other names: 2319insA; c.2202dup, p.Leu735fs (NM_007294.3, NM_007300.4, NM_001407581.1 and 31 more transcripts); c.2076dup, p.Leu693fs (NM_001407940.1, NM_001407941.1, NM_001407649.1 and 11 more transcripts); c.2061dup, p.Leu688fs (NM_001407942.1, NM_001407944.1, NM_001407945.1 and 29 more transcripts); c.2058dup, p.Leu687fs (NM_001407943.1, NM_001407964.1, NM_001407740.1 and 20 more transcripts); c.1869dup, p.Leu624fs (NM_001407946.1, NM_001407947.1, NM_001407948.1 and 6 more transcripts); c.1866dup, p.Leu623fs (NM_001407954.1, NM_001407955.1, NM_001407956.1 and 1 more transcripts); c.1821dup, p.Leu608fs (NM_001407959.1, NM_001407960.1, NM_001407963.1); and 42 more; short protein forms L688fs, L735fs, L608fs, L646fs, L665fs, L668fs, L567fs, L647fs.
Identifiers: ClinVar variation 266237 (VCV000266237.6), dbSNP rs80357982, ClinGen allele CA10589876.